The following is an entry in ClinVar:

NM_001370259.2(MEN1):c.1612C>T (p.Pro538Ser)

Gene: MEN1 (menin 1; minus strand). Cytogenetic location: 11q13.1.
Variant type: single nucleotide variant.
Coding change: c.1612C>T on transcript NM_001370259.2 (MANE Select); coding-DNA position 1612, C replaced by T.
Protein change: p.Pro538Ser; replaces proline 538 with serine.
Molecular consequence: missense variant. On other transcripts: non-coding transcript variant (4).
Genome position (GRCh38, 1-based): chr11:64,804,555, G>A on the plus strand (C>T on the coding strand, the complement: MEN1 is on the minus strand). VCF-style: chr11-64804555-G-A. GRCh37 (hg19) VCF-style: chr11-64572027-G-A.
Other names: c.1627C>T, p.Pro543Ser (NM_130804.3, NM_130800.3, NM_130801.3 and 4 more transcripts); c.1612C>T, p.Pro538Ser (NM_001407146.1, NM_001407147.1, NM_130799.3 and 2 more transcripts); c.1507C>T, p.Pro503Ser (NM_001407148.1, NM_001407149.1, NM_001370262.2 and 1 more transcripts); c.1753C>T, p.Pro585Ser (NM_001407150.1); c.1633C>T, p.Pro545Ser (NM_001407151.1); c.1447C>T, p.Pro483Ser (NM_001407152.1); c.1738C>T, p.Pro580Ser (NM_001370251.2, NM_001407142.1, NM_001407143.1 and 1 more transcripts); short protein forms P483S, P545S, P585S, P580S, P543S, P503S, P538S.
Identifiers: ClinVar variation 3294218 (VCV003294218.1).

ClinVar aggregate classification (germline): Uncertain significance (1 of 4 stars; one submission).

Conditions:
Hereditary cancer-predisposing syndrome. Also called: Tumor predisposition; Hereditary Cancer Syndrome; Hereditary neoplastic syndrome; Neoplastic Syndromes, Hereditary. Identifiers: Orphanet 140162, MedGen C0027672, MeSH D009386, MONDO:0015356.

Submission:

Ambry Genetics
Classification: Uncertain significance for Hereditary cancer-predisposing syndrome. Last evaluated: 2024-05-23. Review status: criteria provided, single submitter. Criteria: Ambry Variant Classification Scheme 2023. Collection method: clinical testing. Allele origin: germline.
Comment: The p.P538S variant (also known as c.1612C>T), located in coding exon 9 of the MEN1 gene, results from a C to T substitution at nucleotide position 1612. The proline at codon 538 is replaced by serine, an amino acid with similar properties. This amino acid position is not well conserved in available vertebrate species. In addition, the in silico prediction for this alteration is inconclusive. Based on the available evidence, the clinical significance of this variant remains unclear.